The following is an entry in ClinVar:

ClinVar aggregate classification (germline): Conflicting classifications of pathogenicity. Review status: criteria provided, conflicting classifications (1 of 4 stars). 2 submissions from 2 submitters: Uncertain significance (1); Likely benign (1). Last evaluated 2023-03-23.

Conditions:
Hereditary cancer-predisposing syndrome. Also called: Neoplastic Syndromes, Hereditary; Tumor predisposition; Hereditary Cancer Syndrome; Hereditary neoplastic syndrome. Identifiers: Orphanet 140162, MedGen C0027672, MeSH D009386, MONDO:0015356.

Submissions (2):

University of Washington Department of Laboratory Medicine, University of Washington
Classification: Likely benign for Hereditary cancer-predisposing syndrome. Last evaluated: 2023-03-23. Review status: criteria provided, single submitter. Criteria: Dines et al. (Genet Med. 2020). Collection method: curation. Allele origin: germline.
Comment: Missense variant in a coldspot region where missense variants are very unlikely to be pathogenic (PMID:31911673).

BRCA1 coldspot (exon 11 using historical exon numbering). Reclassification based on statistical prior probability

Ambry Genetics
Classification: Uncertain significance for Hereditary cancer-predisposing syndrome. Last evaluated: 2020-09-29. Review status: criteria provided, single submitter. Criteria: Ambry Variant Classification Scheme 2023. Collection method: clinical testing. Allele origin: germline.
Comment: The p.K614T variant (also known as c.1841A>C), located in coding exon 9 of the BRCA1 gene, results from an A to C substitution at nucleotide position 1841. The lysine at codon 614 is replaced by threonine, an amino acid with similar properties. This amino acid position is well conserved in available vertebrate species. In addition, the in silico prediction for this alteration is inconclusive. Since supporting evidence is limited at this time, the clinical significance of this alteration remains unclear.

NM_007294.4(BRCA1):c.1841A>C (p.Lys614Thr)

Gene: BRCA1 (BRCA1 DNA repair associated; minus strand). Cytogenetic location: 17q21.31.
Variant type: single nucleotide variant.
Coding change: c.1841A>C on transcript NM_007294.4 (MANE Select); coding-DNA position 1841, A replaced by C.
Protein change: p.Lys614Thr; replaces lysine 614 with threonine.
Molecular consequence: missense variant. On other transcripts: intron variant (137).
Genome position (GRCh38, 1-based): chr17:43,093,690, T>G on the plus strand (A>C on the coding strand, the complement: BRCA1 is on the minus strand). VCF-style: chr17-43093690-T-G. GRCh37 (hg19) VCF-style: chr17-41245707-T-G.
Other names: c.784+1054A>C (NM_001408400.1, NM_001408392.1, NM_001407986.1 and 13 more transcripts); c.787+1054A>C (NM_001407982.1, NM_001407970.1, NM_001407979.1 and 19 more transcripts); c.646+1054A>C (NM_001408410.1, NM_001408458.1, NM_001408469.1 and 11 more transcripts); c.709+1054A>C (NM_001408415.1, NM_001408412.1, NM_001408409.1 and 2 more transcripts); c.577+1054A>C (NM_001408483.1, NM_001408481.1, NM_001408480.1 and 9 more transcripts); c.664+1054A>C (NM_001408441.1, NM_001408437.1, NM_001408429.1 and 12 more transcripts); c.1628A>C, p.Lys543Thr (NM_001407571.1, NM_001407853.1, NM_001407894.1 and 9 more transcripts); c.1841A>C, p.Lys614Thr (NM_001407581.1, NM_001407582.1, NM_001407583.1 and 30 more transcripts); and 40 more; short protein forms K525T, K543T, K567T, K573T, K587T, K614T, K446T, K503T.
Identifiers: ClinVar variation 1781161 (VCV001781161.4), dbSNP rs1597873869, ClinGen allele CA10598337.